The following is an entry in ClinVar:

NM_000540.3(RYR1):c.7310C>T (p.Ala2437Val)

Gene: RYR1 (ryanodine receptor 1; plus strand). Cytogenetic location: 19q13.2.
Variant type: single nucleotide variant.
Coding change: c.7310C>T on transcript NM_000540.3 (MANE Select); coding-DNA position 7310, C replaced by T.
Protein change: p.Ala2437Val; replaces alanine 2437 with valine.
Molecular consequence: missense variant.
Genome position (GRCh38, 1-based): chr19:38,500,003, C>T. VCF-style: chr19-38500003-C-T. GRCh37 (hg19) VCF-style: chr19-38990643-C-T.
Other names: NM_000540.2(RYR1):c.7310C>T; c.7310C>T, p.Ala2437Val (NM_001042723.2); short protein forms A2437V.
Identifiers: ClinVar variation 133197 (VCV000133197.6), dbSNP rs193922812, ClinGen allele CA024756.

ClinVar aggregate classification (germline): Likely pathogenic. Review status: reviewed by expert panel (3 of 4 stars). 3 submissions from 3 submitters: Likely pathogenic (1). 2 of the submissions do not count toward it. Last evaluated 2025-08-01.

Conditions:
Malignant hyperthermia, susceptibility to, 1 (MHS1). Also called: RYR1-Related Malignant Hyperthermia Susceptibility; Malignant hyperthermia suceptibility 1; Anesthesia related hyperthermia; Malignant hyperpyrexia; Fulminating hyperpyrexia; Pharmacogenic myopathy. Identifiers: Orphanet 423, MedGen C2930980, MONDO:0007783, OMIM 145600.

Submissions (3):

ClinGen Malignant Hyperthermia Susceptibility Variant Curation Expert Panel, ClinGen
Classification: Likely pathogenic for Malignant hyperthermia, susceptibility to, 1. Last evaluated: 2025-08-01. Review status: reviewed by expert panel. Criteria: ClinGen MHS ACMG Specifications V2. Collection method: curation. Allele origin: germline. Inheritance: Autosomal dominant inheritance.
Comment: This pathogenicity assessment is relevant only for malignant hyperthermia susceptibility (MHS) inherited in an autosomal dominant pattern. Variants in RYR1 can also cause other myopathies inherited in an autosomal dominant pattern or in an autosomal recessive pattern. Some of these disorders may predispose individuals to malignant hyperthermia. RYR1 variants may also contribute to a malignant hyperthermia reaction in combination with other genetic and non-genetic factors and the clinician needs to consider such factors in making management decisions. This sequence variant predicts a substitution of alanine with valine at codon 2437 of the RYR1 protein, p.(Ala2437Val). This variant was not present in a large population database (gnomAD) at the time this variant was interpreted. This variant has been reported in three unrelated individuals who have a personal or family history of a malignant hyperthermia reaction, two of these individuals had a positive in vitro contracture test (IVCT) or caffeine halothane contracture test (CHCT) result (if the proband was unavailable for testing, a positive diagnostic test result in a mutation-positive relative was counted), PS4_Moderate (PMID:15448513, personal communication, Leeds MH Unit, MH Investigation Unit (MHIU), UHN, Toronto). No functional studies were identified for this variant. This variant resides in a region of RYR1 considered to be a hotspot for pathogenic variants that contribute to MHS, PM1 (PMID: 21118704). A REVEL score >0.85 (0.917) supports a pathogenic status for this variant, PP3_Moderate. This variant has been classified as Likely Pathogenic. Criteria implemented: PS4_Moderate, PM1, PP3_Moderate.

PreventionGenetics, part of Exact Sciences
Classification: Likely pathogenic for Malignant hyperthermia, susceptibility to, 1. Last evaluated: 2026-01-15. Review status: criteria provided, single submitter. Criteria: ACMG Guidelines, 2015. Collection method: clinical testing. Allele origin: germline. Not counted in ClinVar's aggregate classification.
Comment: This variant has been reported in individuals with malignant hyperthermia (Sei et al. 2004. PubMed ID: 15448513; Galli et al. 2006. PubMed ID: 16835904). One patient's contracture test result was consistent with malignant hyperthermia susceptibility (Sei et al. 2004. PubMed ID: 15448513).This variant has not been reported in a large population database (gnomAD), indicating this variant is rare. The p.Ala2437 residue resides in the RYR1 central domain (amino acids 2163-2458), which is considered a hot spot for disease causing variants (Witherspoon and Meilleur. 2016. PubMed ID: 27855725). This variant has been classified as likely pathogenic by the ClinGen Malignant Hyperthermia Susceptibility Variant Curation Expert Panel (Variation ID: 133197). Taken together, this variant is interpreted as likely pathogenic for malignant hyperthermia susceptibility.

RYR1 database
No classification provided. Review status: no classification provided. Collection method: not provided. Allele origin: unknown. Not counted in ClinVar's aggregate classification.